The following is an entry in ClinVar:

NM_004714.3(DYRK1B):c.1357G>A (p.Ala453Thr)

Gene: DYRK1B (dual specificity tyrosine phosphorylation regulated kinase 1B; minus strand). Cytogenetic location: 19q13.2.
Variant type: single nucleotide variant.
Coding change: c.1357G>A on transcript NM_004714.3 (MANE Select); coding-DNA position 1357, G replaced by A.
Protein change: p.Ala453Thr; replaces alanine 453 with threonine.
Molecular consequence: missense variant.
Genome position (GRCh38, 1-based): chr19:39,826,726, C>T on the plus strand (G>A on the coding strand, the complement: DYRK1B is on the minus strand). VCF-style: chr19-39826726-C-T. GRCh37 (hg19) VCF-style: chr19-40317366-C-T.
Other names: c.1357G>A (NM_004714.2); c.1237G>A, p.Ala413Thr (NM_006483.3); c.1273G>A, p.Ala425Thr (NM_006484.3); short protein forms A453T, A425T, A413T.
Identifiers: ClinVar variation 2309032 (VCV002309032.4), dbSNP rs777699056, ClinGen allele CA9434075.

ClinVar aggregate classification (germline): Uncertain significance. Review status: criteria provided, single submitter (1 of 4 stars). 2 submissions from 2 submitters: Uncertain significance (1). 1 of the submissions does not count toward it. Last evaluated 2025-08-22.

Conditions:
DYRK1B-related disorder. Also called: DYRK1B-related condition.
Inborn genetic diseases. Identifiers: MedGen C0950123, MeSH D030342.

Allele frequency attached by ClinVar (database versions not stated): gnomAD 0.00001; TOPMed 0.00001; gnomAD exomes 0.00003; ExAC 0.00008.
gnomAD v4.1: 36 of 1,602,122 alleles (0.0022%); highest among the groups gnomAD compares: South Asian, 0.021%; no homozygotes.

Submissions (2):

Ambry Genetics
Classification: Uncertain significance for Inborn genetic diseases. Last evaluated: 2025-08-22. Review status: criteria provided, single submitter. Criteria: Ambry Variant Classification Scheme 2023. Collection method: clinical testing. Allele origin: germline.

PreventionGenetics, part of Exact Sciences
Classification: Uncertain significance for DYRK1B-related condition. Last evaluated: 2024-09-05. Review status: no assertion criteria provided. Collection method: clinical testing. Allele origin: germline. Not counted in ClinVar's aggregate classification.
Comment: The DYRK1B c.1357G>A variant is predicted to result in the amino acid substitution p.Ala453Thr. To our knowledge, this variant has not been reported in the literature. This variant is reported in 0.028% of alleles in individuals of South Asian descent in gnomAD. Although we suspect that this variant may be benign, at this time, the clinical significance of this variant is uncertain due to the absence of conclusive functional and genetic evidence.